The following is an entry in ClinVar:

ClinVar aggregate classification (germline): Pathogenic (1 of 4 stars; one submission).

Allele frequency attached by ClinVar (database versions not stated): gnomAD 0.00001; TOPMed 0.00001; ExAC 0.00002.
gnomAD v4.1: 13 of 1,614,010 alleles (0.00081%); highest among the groups gnomAD compares: African/African-American, 0.0013%; no homozygotes.

Submission:

Labcorp Genetics (formerly Invitae), Labcorp
Classification: Pathogenic. Last evaluated: 2023-05-28. Review status: criteria provided, single submitter. Criteria: Invitae Variant Classification Sherloc (09022015). Collection method: clinical testing. Allele origin: germline.
Comment: This sequence change creates a premature translational stop signal (p.Arg1553*) in the C2CD3 gene. It is expected to result in an absent or disrupted protein product. Loss-of-function variants in C2CD3 are known to be pathogenic (PMID: 24997988, 26477546). This variant is present in population databases (rs747183300, gnomAD 0.003%). This variant has not been reported in the literature in individuals affected with C2CD3-related conditions. For these reasons, this variant has been classified as Pathogenic.

Literature cited by the submitters: PubMed 24997988; PubMed 26477546.

NM_001286577.2(C2CD3):c.4657C>T (p.Arg1553Ter)

Gene: C2CD3 (C2 domain containing 3 centriole elongation regulator; minus strand). Cytogenetic location: 11q13.4.
Variant type: single nucleotide variant.
Coding change: c.4657C>T on transcript NM_001286577.2 (MANE Select); coding-DNA position 4657, C replaced by T.
Protein change: p.Arg1553Ter; replaces arginine 1553 with a stop codon.
Molecular consequence: nonsense.
Genome position (GRCh38, 1-based): chr11:74,074,547, G>A on the plus strand (C>T on the coding strand, the complement: C2CD3 is on the minus strand). VCF-style: chr11-74074547-G-A. GRCh37 (hg19) VCF-style: chr11-73785592-G-A.
Other names: c.4657C>T, p.Arg1553Ter (NM_015531.6); short protein forms R1553*.
Identifiers: ClinVar variation 2796140 (VCV002796140.3), dbSNP rs747183300, ClinGen allele CA6182090.